The following is an entry in ClinVar:

ClinVar aggregate classification (germline): Pathogenic/Likely pathogenic. Review status: criteria provided, multiple submitters, no conflicts (2 of 4 stars). 7 submissions from 7 submitters: Pathogenic (6); Likely pathogenic (1). Last evaluated 2025-06-06.

Conditions:
Hereditary nonpolyposis colorectal neoplasms. Identifiers: MedGen C0009405, MeSH D003123.
Hereditary cancer-predisposing syndrome. Also called: Hereditary Cancer Syndrome; Hereditary neoplastic syndrome; Neoplastic Syndromes, Hereditary; Tumor predisposition. Identifiers: Orphanet 140162, MedGen C0027672, MeSH D009386, MONDO:0015356.
Lynch syndrome 5 (LYNCH5). Also called: Hereditary non-polyposis colorectal cancer, type 5; Colorectal cancer, hereditary nonpolyposis, type 5. Identifiers: Orphanet 144, MedGen C1833477, MONDO:0013710, OMIM 614350. Disease mechanism: loss of function.

Submissions (7):

Labcorp Genetics (formerly Invitae), Labcorp
Classification: Pathogenic for Hereditary nonpolyposis colorectal neoplasms. Last evaluated: 2025-06-06. Review status: criteria provided, single submitter. Criteria: Invitae Variant Classification Sherloc (09022015). Collection method: clinical testing. Allele origin: germline.
Comment: This sequence change creates a premature translational stop signal (p.Leu684*) in the MSH6 gene. It is expected to result in an absent or disrupted protein product. Loss-of-function variants in MSH6 are known to be pathogenic (PMID: 18269114, 24362816). This variant is not present in population databases (gnomAD no frequency). This variant has not been reported in the literature in individuals affected with MSH6-related conditions. Invitae Evidence Modeling of clinical and family history, age, sex, and reported ancestry of multiple individuals with this MSH6 variant has been performed. This variant is expected to be pathogenic with a positive predictive value of at least 99%. This is a validated machine learning model that incorporates the clinical features of 1,627,235 individuals referred to our laboratory for MSH6 testing. ClinVar contains an entry for this variant (Variation ID: 455173). For these reasons, this variant has been classified as Pathogenic.

Color Diagnostics, LLC DBA Color Health
Classification: Pathogenic for Hereditary cancer-predisposing syndrome. Last evaluated: 2023-11-06. Review status: criteria provided, single submitter. Criteria: ACMG Guidelines, 2015. Collection method: clinical testing. Allele origin: germline.
Comment: This variant deletes 1 nucleotide in exon 4 of the MSH6 gene, creating a frameshift and premature translation stop signal. This variant is expected to result in an absent or non-functional protein product. To our knowledge, this variant has not been reported in individuals affected with MSH6-related disorders in the literature. This variant has not been identified in the general population by the Genome Aggregation Database (gnomAD). Loss of MSH6 function is a known mechanism of disease. Based on the available evidence, this variant is classified as Pathogenic.

Myriad Genetics, Inc.
Classification: Pathogenic for Lynch syndrome 5. Last evaluated: 2023-08-16. Review status: criteria provided, single submitter. Criteria: Myriad Autosomal Dominant, Autosomal Recessive and X-Linked Classification Criteria (2023). Collection method: clinical testing. Allele origin: unknown.
Comment: This variant is considered pathogenic. This variant creates a termination codon and is predicted to result in premature protein truncation.

GeneDx
Classification: Pathogenic. Last evaluated: 2023-04-27. Review status: criteria provided, single submitter. Criteria: GeneDx Variant Classification Process June 2021. Collection method: clinical testing. Allele origin: germline. Affected: yes.
Comment: Nonsense variant predicted to result in protein truncation or nonsense mediated decay in a gene for which loss-of-function is a known mechanism of disease; Not observed at significant frequency in large population cohorts (gnomAD); Truncating variants in this gene are considered pathogenic by a well-established clinical consortium and/or database; Has not been previously published as pathogenic or benign to our knowledge

Revvity Omics, Revvity
Classification: Likely pathogenic. Last evaluated: 2022-10-17. Review status: criteria provided, single submitter. Criteria: ACMG Guidelines, 2015. Collection method: clinical testing. Allele origin: germline.

Quest Diagnostics Nichols Institute San Juan Capistrano
Classification: Pathogenic. Last evaluated: 2022-09-21. Review status: criteria provided, single submitter. Criteria: Quest Diagnostics criteria. Collection method: clinical testing. Allele origin: unknown.
Comment: This frameshift variant alters the translational reading frame of the MSH6 mRNA and causes the premature termination of MSH6 protein synthesis. The variant has not been reported in the published literature. It also has not been reported in large, multi-ethnic general populations. Based on the available information, this variant is classified as pathogenic.

Ambry Genetics
Classification: Pathogenic for Hereditary cancer-predisposing syndrome. Last evaluated: 2022-06-06. Review status: criteria provided, single submitter. Criteria: Ambry Variant Classification Scheme 2023. Collection method: clinical testing. Allele origin: germline.
Comment: The c.2050delC pathogenic mutation, located in coding exon 4 of the MSH6 gene, results from a deletion of one nucleotide at nucleotide position 2050, causing a translational frameshift with a predicted alternate stop codon (p.L684*). This alteration is expected to result in loss of function by premature protein truncation or nonsense-mediated mRNA decay. As such, this alteration is interpreted as a disease-causing mutation.

Literature cited by the submitters: PubMed 18269114 (cited by Labcorp Genetics (formerly Invitae), Labcorp); PubMed 24362816 (cited by Labcorp Genetics (formerly Invitae), Labcorp).

NM_000179.3(MSH6):c.2050del (p.Ala683_Leu684insTer)

Gene: MSH6 (mutS homolog 6; plus strand). Cytogenetic location: 2p16.3.
Variant type: Deletion.
Coding change: c.2050del on transcript NM_000179.3 (MANE Select); coding-DNA position 2050, one base deleted (C; older notation c.2050delC).
Protein change: p.Ala683_Leu684insTer.
Molecular consequence: nonsense.
Genome position (GRCh38, 1-based): chr2:47,800,033, C deleted. VCF-style (leftmost placement, unchanged base first): chr2-47800032-TC-T. GRCh37 (hg19) VCF-style: chr2-48027171-TC-T.
Other names: c.2050delC (NM_000179.2); c.1660del, p.Ala553_Leu554insTer (NM_001281492.2); c.1144del, p.Ala381_Leu382insTer (NM_001281493.2, NM_001281494.2).
Identifiers: ClinVar variation 455173 (VCV000455173.25), dbSNP rs1553413424, ClinGen allele CA658655799.